The following is an entry in ClinVar:

NM_000222.3(KIT):c.2573T>G (p.Phe858Cys)

Gene: KIT (KIT proto-oncogene, receptor tyrosine kinase; plus strand). Cytogenetic location: 4q12.
Variant type: single nucleotide variant.
Coding change: c.2573T>G on transcript NM_000222.3 (MANE Select); coding-DNA position 2573, T replaced by G.
Protein change: p.Phe858Cys; replaces phenylalanine 858 with cysteine.
Molecular consequence: missense variant.
Genome position (GRCh38, 1-based): chr4:54,736,586, T>G. VCF-style: chr4-54736586-T-G. GRCh37 (hg19) VCF-style: chr4-55602752-T-G.
Other names: c.2573T>G (NM_000222.2); c.2561T>G, p.Phe854Cys (NM_001093772.2, NM_001385292.1); c.2576T>G, p.Phe859Cys (NM_001385284.1); c.2570T>G, p.Phe857Cys (NM_001385285.1); c.2558T>G, p.Phe853Cys (NM_001385286.1); c.2564T>G, p.Phe855Cys (NM_001385288.1); c.2573T>G, p.Phe858Cys (NM_001385290.1); short protein forms F854C, F858C, F855C, F857C, F859C, F853C.
Identifiers: ClinVar variation 1468441 (VCV001468441.7), dbSNP rs2109811560, ClinGen allele CA356913338.

ClinVar aggregate classification (germline): Uncertain significance. Review status: criteria provided, multiple submitters, no conflicts (2 of 4 stars). 2 submissions from 2 submitters: Uncertain significance (2). Last evaluated 2025-03-06.

Conditions:
Hereditary cancer-predisposing syndrome. Also called: Hereditary neoplastic syndrome; Tumor predisposition; Hereditary Cancer Syndrome; Neoplastic Syndromes, Hereditary. Identifiers: Orphanet 140162, MedGen C0027672, MeSH D009386, MONDO:0015356.
Gastrointestinal stromal tumor. Also called: Gastrointestinal stroma tumor; Gastrointestinal stromal tumor, somatic. Identifiers: Orphanet 44890, MedGen C0238198, MeSH D046152, MONDO:0011719, OMIM 606764, HP:0100723.

Submissions (2):

Ambry Genetics
Classification: Uncertain significance for Hereditary cancer-predisposing syndrome. Last evaluated: 2025-03-06. Review status: criteria provided, single submitter. Criteria: Ambry Variant Classification Scheme 2023. Collection method: clinical testing. Allele origin: germline.
Comment: The p.F858C variant (also known as c.2573T>G), located in coding exon 18 of the KIT gene, results from a T to G substitution at nucleotide position 2573. The phenylalanine at codon 858 is replaced by cysteine, an amino acid with highly dissimilar properties. This amino acid position is not well conserved in available vertebrate species. In addition, the in silico prediction for this alteration is inconclusive. Based on the available evidence, the clinical significance of this variant remains unclear.

Labcorp Genetics (formerly Invitae), Labcorp
Classification: Uncertain significance for Gastrointestinal stromal tumor. Last evaluated: 2021-07-19. Review status: criteria provided, single submitter. Criteria: Invitae Variant Classification Sherloc (09022015). Collection method: clinical testing. Allele origin: germline.
Comment: This variant has not been reported in the literature in individuals affected with KIT-related conditions. This sequence change replaces phenylalanine with cysteine at codon 858 of the KIT protein (p.Phe858Cys). The phenylalanine residue is moderately conserved and there is a large physicochemical difference between phenylalanine and cysteine. This variant is not present in population databases (ExAC no frequency). Algorithms developed to predict the effect of missense changes on protein structure and function (SIFT, PolyPhen-2, Align-GVGD) all suggest that this variant is likely to be disruptive. In summary, the available evidence is currently insufficient to determine the role of this variant in disease. Therefore, it has been classified as a Variant of Uncertain Significance.